The following is an entry in ClinVar:

NM_000426.4(LAMA2):c.7825A>G (p.Ile2609Val)

Gene: LAMA2 (laminin subunit alpha 2; plus strand). Cytogenetic location: 6q22.33.
Variant type: single nucleotide variant.
Coding change: c.7825A>G on transcript NM_000426.4 (MANE Select); coding-DNA position 7825, A replaced by G.
Protein change: p.Ile2609Val; replaces isoleucine 2609 with valine.
Molecular consequence: missense variant.
Genome position (GRCh38, 1-based): chr6:129,486,549, A>G. VCF-style: chr6-129486549-A-G. GRCh37 (hg19) VCF-style: chr6-129807694-A-G.
Other names: c.7813A>G, p.Ile2605Val (NM_001079823.2); short protein forms I2605V, I2609V.
Identifiers: ClinVar variation 4797591 (VCV004797591.1).

ClinVar aggregate classification (germline): Uncertain significance (1 of 4 stars; one submission).

Conditions:
LAMA2-related muscular dystrophy (LAMA2-RD). Also called: Laminin alpha 2-related dystrophy. Identifiers: MedGen C5679788, MONDO:0100228.

gnomAD v4.1: 2 of 1,614,036 alleles (0.00012%); highest among the groups gnomAD compares: Middle Eastern, 0.017%; no homozygotes.

Submission:

Labcorp Genetics (formerly Invitae), Labcorp
Classification: Uncertain significance for LAMA2-related muscular dystrophy. Last evaluated: 2026-01-21. Review status: criteria provided, single submitter. Criteria: Invitae Variant Classification Sherloc (09022015). Collection method: clinical testing. Allele origin: germline.
Comment: This sequence change replaces isoleucine, which is neutral and non-polar, with valine, which is neutral and non-polar, at codon 2609 of the LAMA2 protein (p.Ile2609Val). This variant is not present in population databases (gnomAD no frequency). This variant has not been reported in the literature in individuals affected with LAMA2-related conditions. Invitae Evidence Modeling of protein sequence and biophysical properties (such as structural, functional, and spatial information, amino acid conservation, physicochemical variation, residue mobility, and thermodynamic stability) indicates that this missense variant is not expected to disrupt LAMA2 protein function with a negative predictive value of 95%. In summary, the available evidence is currently insufficient to determine the role of this variant in disease. Therefore, it has been classified as a Variant of Uncertain Significance.